The following is an entry in ClinVar:

ClinVar aggregate classification (germline): Uncertain significance. Review status: criteria provided, multiple submitters, no conflicts (2 of 4 stars). 2 submissions from 2 submitters: Uncertain significance (2). Last evaluated 2024-12-02.

Allele frequency attached by ClinVar (database versions not stated): gnomAD exomes below 0.00001 and 0.00001; TOPMed 0.00001.
gnomAD v4.1: 3 of 1,613,952 alleles (0.00019%); highest among the groups gnomAD compares: Admixed American, 0.0033%; no homozygotes.

Submissions (2):

Labcorp Genetics (formerly Invitae), Labcorp
Classification: Uncertain significance. Last evaluated: 2024-12-02. Review status: criteria provided, single submitter. Criteria: Invitae Variant Classification Sherloc (09022015). Collection method: clinical testing. Allele origin: germline.
Comment: This sequence change replaces threonine, which is neutral and polar, with isoleucine, which is neutral and non-polar, at codon 233 of the RTN4IP1 protein (p.Thr233Ile). This variant is present in population databases (no rsID available, gnomAD 0.006%). This variant has not been reported in the literature in individuals affected with RTN4IP1-related conditions. ClinVar contains an entry for this variant (Variation ID: 1022907). Invitae Evidence Modeling of protein sequence and biophysical properties (such as structural, functional, and spatial information, amino acid conservation, physicochemical variation, residue mobility, and thermodynamic stability) indicates that this missense variant is not expected to disrupt RTN4IP1 protein function with a negative predictive value of 80%. In summary, the available evidence is currently insufficient to determine the role of this variant in disease. Therefore, it has been classified as a Variant of Uncertain Significance.

Blueprint Genetics
Classification: Uncertain significance. Last evaluated: 2019-11-06. Review status: criteria provided, single submitter. Criteria: ACMG Guidelines, 2015. Collection method: clinical testing. Allele origin: germline.

NM_032730.5(RTN4IP1):c.698C>T (p.Thr233Ile)

Gene: RTN4IP1 (reticulon 4 interacting protein 1; minus strand). Cytogenetic location: 6q21.
Variant type: single nucleotide variant.
Coding change: c.698C>T on transcript NM_032730.5 (MANE Select); coding-DNA position 698, C replaced by T.
Protein change: p.Thr233Ile; replaces threonine 233 with isoleucine.
Molecular consequence: missense variant.
Genome position (GRCh38, 1-based): chr6:106,592,272, G>A on the plus strand (C>T on the coding strand, the complement: RTN4IP1 is on the minus strand). VCF-style: chr6-106592272-G-A. GRCh37 (hg19) VCF-style: chr6-107040147-G-A.
Other names: c.398C>T, p.Thr133Ile (NM_001318746.1); short protein forms T133I, T233I.
Identifiers: ClinVar variation 1022907 (VCV001022907.9), dbSNP rs1452922916, ClinGen allele CA365156692.